The following is an entry in ClinVar:

ClinVar aggregate classification (germline): Conflicting classifications of pathogenicity. Review status: criteria provided, conflicting classifications (1 of 4 stars). 6 submissions from 6 submitters: Uncertain significance (5); Benign (1). Last evaluated 2026-01-08.

Conditions:
Hereditary nonpolyposis colorectal neoplasms. Identifiers: MedGen C0009405, MeSH D003123.
Hereditary cancer-predisposing syndrome. Also called: Hereditary Cancer Syndrome; Hereditary neoplastic syndrome; Tumor predisposition; Neoplastic Syndromes, Hereditary. Identifiers: Orphanet 140162, MedGen C0027672, MeSH D009386, MONDO:0015356.
Lynch syndrome. Identifiers: Orphanet 144, MedGen C4552100, MONDO:0005835. Disease mechanism: loss of function.
Endometrial carcinoma. Also called: Endometrial carcinoma, somatic. Identifiers: MedGen C0476089, MONDO:0002447, OMIM 608089, HP:0012114.

Allele frequency attached by ClinVar (database versions not stated): TOPMed 0.00001; ESP Exome Variant Server 0.00008.

Submissions (6):

Labcorp Genetics (formerly Invitae), Labcorp
Classification: Benign for Hereditary nonpolyposis colorectal neoplasms. Last evaluated: 2026-01-08. Review status: criteria provided, single submitter. Criteria: Invitae Variant Classification Sherloc (09022015). Collection method: clinical testing. Allele origin: germline.

Ambry Genetics
Classification: Uncertain significance for Hereditary cancer-predisposing syndrome. Last evaluated: 2025-03-07. Review status: criteria provided, single submitter. Criteria: Ambry Variant Classification Scheme 2023. Collection method: clinical testing. Allele origin: germline.
Comment: The p.D904E variant (also known as c.2712T>G), located in coding exon 4 of the MSH6 gene, results from a T to G substitution at nucleotide position 2712. The aspartic acid at codon 904 is replaced by glutamic acid, an amino acid with highly similar properties. This amino acid position is well conserved in available vertebrate species; however, glutamic acid is the reference amino acid in other vertebrate species. In addition, the in silico prediction for this alteration is inconclusive. Since supporting evidence is limited at this time, the clinical significance of this alteration remains unclear.

Baylor Genetics
Classification: Uncertain significance for Endometrial carcinoma. Last evaluated: 2024-03-20. Review status: criteria provided, single submitter. Criteria: ACMG Guidelines, 2015. Collection method: clinical testing. Allele origin: unknown.

All of Us Research Program, National Institutes of Health
Classification: Uncertain significance for Lynch syndrome. Last evaluated: 2023-12-18. Review status: criteria provided, single submitter. Criteria: ACMG Guidelines, 2015. Collection method: clinical testing. Allele origin: germline. Inheritance: Autosomal dominant inheritance. Observed: 1 variant allele, 1 heterozygote.
Comment: This missense variant replaces aspartic acid with glutamic acid at codon 904 of the MSH6 protein. Computational prediction suggests that this variant may not impact protein structure and function (internally defined REVEL score threshold <= 0.5, PMID: 27666373). To our knowledge, functional studies have not been reported for this variant. This variant has not been reported in individuals affected with MSH6-related disorders in the literature. This variant has not been identified in the general population by the Genome Aggregation Database (gnomAD). The available evidence is insufficient to determine the role of this variant in disease conclusively. Therefore, this variant is classified as a Variant of Uncertain Significance.

This study involves interpretation of variants in research participants for the purpose of population health screening. Participant phenotype was not available at the time of variant classification. Additional details can be found in publication PMID: 35346344, PMCID: PMC8962531

Color Diagnostics, LLC DBA Color Health
Classification: Uncertain significance for Hereditary cancer-predisposing syndrome. Last evaluated: 2023-12-05. Review status: criteria provided, single submitter. Criteria: ACMG Guidelines, 2015. Collection method: clinical testing. Allele origin: germline.
Comment: This missense variant replaces aspartic acid with glutamic acid at codon 904 of the MSH6 protein. Computational prediction suggests that this variant may not impact protein structure and function (internally defined REVEL score threshold <= 0.5, PMID: 27666373). To our knowledge, functional studies have not been reported for this variant. This variant has not been reported in individuals affected with MSH6-related disorders in the literature. This variant has not been identified in the general population by the Genome Aggregation Database (gnomAD). The available evidence is insufficient to determine the role of this variant in disease conclusively. Therefore, this variant is classified as a Variant of Uncertain Significance.

GeneDx
Classification: Uncertain significance. Last evaluated: 2014-01-26. Review status: criteria provided, single submitter. Criteria: GeneDx Variant Classification (06012015). Collection method: clinical testing. Allele origin: germline. Affected: yes.
Comment: This variant is denoted MSH6 c.2712T>G at the cDNA level, p.Asp904Glu (D904E) at the protein level, and results in the change of an Aspartic Acid to a Glutamic Acid (GAT>GAG). This variant has not, to our knowledge, been published in the literature as either a definitive mutation or a benign polymorphism. Terui et al. (2013) published a bioinformatics tool that predicts this variant to have no impact on MSH6 protein. MSH6 Asp904Glu was not observed at a significant allele frequency in the NHLBI Exome Sequencing Project. This variant is a conservative substitution of one negative polar amino acid for another, altering a position that is well conserved throughout evolution and is located in within domain III of the MutS domain (Terui 2013). In silico analyses are inconsistent with regard to the effect this variant may have on protein structure and function. Based on currently available information, it is unclear whether MSH6 Asp904Glu is pathogenic or benign. We consider it to be a variant of uncertain significance.

NM_000179.3(MSH6):c.2712T>G (p.Asp904Glu)

Gene: MSH6 (mutS homolog 6; plus strand). Cytogenetic location: 2p16.3.
Variant type: single nucleotide variant.
Coding change: c.2712T>G on transcript NM_000179.3 (MANE Select); coding-DNA position 2712, T replaced by G.
Protein change: p.Asp904Glu; replaces aspartic acid 904 with glutamic acid.
Molecular consequence: missense variant.
Genome position (GRCh38, 1-based): chr2:47,800,695, T>G. VCF-style: chr2-47800695-T-G. GRCh37 (hg19) VCF-style: chr2-48027834-T-G.
Other names: p.D904E:GAT>GAG; c.2322T>G, p.Asp774Glu (NM_001281492.2); c.1806T>G, p.Asp602Glu (NM_001281493.2, NM_001281494.2); short protein forms D904E, D774E, D602E.
Identifiers: ClinVar variation 127573 (VCV000127573.24), dbSNP rs374401174, ClinGen allele CA010773.